The following is an entry in ClinVar:

NM_001852.4(COL9A2):c.1054G>T (p.Gly352Cys)

Gene: COL9A2 (collagen type IX alpha 2 chain; minus strand). Cytogenetic location: 1p34.2.
Variant type: single nucleotide variant.
Coding change: c.1054G>T on transcript NM_001852.4 (MANE Select); coding-DNA position 1054, G replaced by T.
Protein change: p.Gly352Cys; replaces glycine 352 with cysteine.
Molecular consequence: missense variant.
Genome position (GRCh38, 1-based): chr1:40,305,768, C>A on the plus strand (G>T on the coding strand, the complement: COL9A2 is on the minus strand). VCF-style: chr1-40305768-C-A. GRCh37 (hg19) VCF-style: chr1-40771440-C-A.
Other names: short protein forms G352C.
Identifiers: ClinVar variation 3371026 (VCV003371026.1).

ClinVar aggregate classification (germline): Uncertain significance (1 of 4 stars; one submission).

gnomAD v4.1: 11 of 1,614,126 alleles (0.00068%); highest among the groups gnomAD compares: South Asian, 0.012%; no homozygotes.

Submission:

GeneDx
Classification: Uncertain significance. Last evaluated: 2024-03-17. Review status: criteria provided, single submitter. Criteria: GeneDx Variant Classification Process June 2021. Collection method: clinical testing. Allele origin: germline. Affected: yes.
Comment: Has not been previously published as pathogenic or benign to our knowledge; Not observed at significant frequency in large population cohorts (gnomAD); In silico analysis supports that this missense variant has a deleterious effect on protein structure/function